The following is an entry in ClinVar:

NC_000002.11:g.(?_241702563)_(241710541_?)dup

Gene: KIF1A (kinesin family member 1A; minus strand). Cytogenetic location: 2q37.3.
Variant type: Duplication.
Identifiers: ClinVar variation 583610 (VCV000583610.3).

ClinVar aggregate classification (germline): Uncertain significance (1 of 4 stars; one submission).

Conditions:
Neuropathy, hereditary sensory, type 2C. Also called: KIF1A-Related HSAN2 (HSAN2C); Hereditary sensory and autonomic neuropathy type IIC. Identifiers: Orphanet 970, MedGen C3280168, MONDO:0013634, OMIM 614213.
Intellectual disability, autosomal dominant 9 (NESCAVS). Also called: NESCAV SYNDROME; KIF1A-Related Neurodevelopmental Disorder. Identifiers: Orphanet 662367, MedGen C5393830, MONDO:0013656, OMIM 614255.
Hereditary spastic paraplegia 30. Identifiers: Orphanet 101010, MedGen C5235139, MONDO:0012476.

Submission:

Labcorp Genetics (formerly Invitae), Labcorp
Classification: Uncertain significance for Hereditary spastic paraplegia 30; Neuropathy, hereditary sensory, type 2C; Intellectual disability, autosomal dominant 9. Last evaluated: 2018-01-15. Review status: criteria provided, single submitter. Criteria: Invitae Variant Classification Sherloc (09022015). Collection method: clinical testing. Allele origin: germline.
Comment: This variant is a gross duplication of the genomic region encompassing exons 6-37 of the KIF1A gene. While the exact position of the duplicated exons cannot be determined from this data, sub-genic duplications are generally in tandem (PMID: 25640679). This duplication would be expected to be in-frame, preserving the integrity of the reading frame. This variant has not been reported in the literature in individuals with KIF1A-related disease. In summary, the available evidence is currently insufficient to determine the role of this variant in disease. Therefore, it has been classified as a Variant of Uncertain Significance.

Literature cited by the submitters: PubMed 25640679.